The following is an entry in ClinVar:

ClinVar aggregate classification (germline): Uncertain significance (1 of 4 stars; one submission).

Conditions:
Primary ciliary dyskinesia. Also called: Ciliary dyskinesia. Identifiers: Orphanet 244, MedGen C0008780, MONDO:0016575, HP:0012265.

Submission:

Labcorp Genetics (formerly Invitae), Labcorp
Classification: Uncertain significance for Primary ciliary dyskinesia. Last evaluated: 2024-11-20. Review status: criteria provided, single submitter. Criteria: Invitae Variant Classification Sherloc (09022015). Collection method: clinical testing. Allele origin: germline.
Comment: This variant, c.2618_2632dup, results in the insertion of 5 amino acid(s) of the RPGR (ORF15) protein (p.Glu873_Glu877dup), but otherwise preserves the integrity of the reading frame. The frequency data for this variant in the population databases is considered unreliable, as metrics indicate insufficient coverage at this position in the gnomAD database. This variant has not been reported in the literature in individuals affected with RPGR (ORF15)-related conditions. ClinVar contains an entry for this variant (Variation ID: 2044914). In summary, the available evidence is currently insufficient to determine the role of this variant in disease. Therefore, it has been classified as a Variant of Uncertain Significance.

NM_001034853.2(RPGR):c.2618_2632dup (p.Glu877_Gly878insGluGlyGluGlyGlu)

Gene: RPGR (retinitis pigmentosa GTPase regulator; minus strand). Cytogenetic location: Xp11.4.
Variant type: Duplication.
Coding change: c.2618_2632dup on transcript NM_001034853.2 (MANE Select); coding-DNA positions 2618 to 2632, 15 bases duplicated (AAGGAGAAGGGGAGG).
Protein change: p.Glu877_Gly878insGluGlyGluGlyGlu.
Molecular consequence: inframe insertion. On other transcripts: intron variant (8).
Genome position (GRCh38, 1-based): chrX:38,286,367-38,286,381, CCTCCCCTTCTCCTT duplicated on the plus strand (AAGGAGAAGGGGAGG on the coding strand, the reverse complement: RPGR is on the minus strand); duplicating any 15 consecutive bases within chrX:38,286,367-38,286,392 gives the same sequence; the c. name uses the placement nearest the transcript's 3' end. VCF-style (leftmost placement, unchanged base first): chrX-38286366-C-CCCTCCCCTTCTCCTT. GRCh37 (hg19) VCF-style: chrX-38145619-C-CCCTCCCCTTCTCCTT.
Other names: c.1569+4578_1569+4592dup (NM_001367249.1, NM_001367250.1); c.1902+713_1902+727dup (NM_001367245.1); c.1386+4578_1386+4592dup (NM_001367251.1); c.1719+713_1719+727dup (NM_001367246.1); c.1572+4578_1572+4592dup (NM_001367247.1); c.1905+713_1905+727dup (NM_000328.3); c.1602+4578_1602+4592dup (NM_001367248.1).
Identifiers: ClinVar variation 2044914 (VCV002044914.3), dbSNP rs2067166248, ClinGen allele CA1132420382.